The following is an entry in ClinVar:

NM_006103.4(WFDC2):c.291C>G (p.Cys97Trp)

Gene: WFDC2 (WAP four-disulfide core domain 2; plus strand). Cytogenetic location: 20q13.12.
Variant type: single nucleotide variant.
Coding change: c.291C>G on transcript NM_006103.4 (MANE Select); coding-DNA position 291, C replaced by G.
Protein change: p.Cys97Trp; replaces cysteine 97 with tryptophan.
Molecular consequence: missense variant.
Genome position (GRCh38, 1-based): chr20:45,480,009, C>G. VCF-style: chr20-45480009-C-G. GRCh37 (hg19) VCF-style: chr20-44108649-C-G.
Other names: short protein forms C97W.
Identifiers: ClinVar variation 4072247 (VCV004072247.3).

ClinVar aggregate classification (germline): Likely pathogenic (1 of 4 stars; one submission).

Conditions:
Bronchiectasis and nasal polyposis. Identifiers: MedGen C5975469, MONDO:0975835, OMIM 620984.

gnomAD v4.1: 26 of 1,614,114 alleles (0.0016%); highest among the groups gnomAD compares: East Asian, 0.058%; no homozygotes.

Submission:

3billion
Classification: Likely pathogenic for Bronchiectasis and nasal polyposis. Last evaluated: 2025-06-01. Review status: criteria provided, single submitter. Criteria: ACMG Guidelines, 2015. Collection method: clinical testing. Allele origin: germline. Affected: yes.
Comment: The variant is observed at an extremely low frequency in the gnomAD v4.1.0 dataset (total allele frequency: 0.002%). Predicted Consequence/Location: Missense variant In silico tool predictions suggest damaging effect of the variant on gene or gene product [REVEL: 0.80 (>=0.6, sensitivity 0.68 and specificity 0.92)]. The variant has been observed in multiple (>3) similarly affected unrelated individuals (3billion dataset). Therefore, this variant is classified as Likely pathogenic (PS4_S, PM2_M, PM3_P, PP3_P) according to the recommendation of ACMG/AMP guideline.